The following is an entry in ClinVar:

NM_021020.5(LZTS1):c.1382C>T (p.Ala461Val)

Gene: LZTS1 (leucine zipper tumor suppressor 1; minus strand). Cytogenetic location: 8p21.3.
Variant type: single nucleotide variant.
Coding change: c.1382C>T on transcript NM_021020.5 (MANE Select); coding-DNA position 1382, C replaced by T.
Protein change: p.Ala461Val; replaces alanine 461 with valine.
Molecular consequence: missense variant.
Genome position (GRCh38, 1-based): chr8:20,250,131, G>A on the plus strand (C>T on the coding strand, the complement: LZTS1 is on the minus strand). VCF-style: chr8-20250131-G-A. GRCh37 (hg19) VCF-style: chr8-20107642-G-A.
Other names: c.1382C>T, p.Ala461Val (NM_001362884.2); short protein forms A461V.
Identifiers: ClinVar variation 1908661 (VCV001908661.5), dbSNP rs138293365, ClinGen allele CA4657287.

ClinVar aggregate classification (germline): Uncertain significance (1 of 4 stars; one submission).

Allele frequency attached by ClinVar (database versions not stated): ESP Exome Variant Server 0.00008; TOPMed 0.00008; ExAC 0.00011; gnomAD 0.00011; 1000 Genomes Project 30x 0.00016; 1000 Genomes Project 0.00020.
gnomAD v4.1: 119 of 1,607,838 alleles (0.0074%); highest among the groups gnomAD compares: South Asian, 0.037%; no homozygotes.

Submission:

Labcorp Genetics (formerly Invitae), Labcorp
Classification: Uncertain significance. Last evaluated: 2025-12-29. Review status: criteria provided, single submitter. Criteria: Invitae Variant Classification Sherloc (09022015). Collection method: clinical testing. Allele origin: germline.
Comment: This sequence change replaces alanine, which is neutral and non-polar, with valine, which is neutral and non-polar, at codon 461 of the LZTS1 protein (p.Ala461Val). This variant is present in population databases (rs138293365, gnomAD 0.02%). This variant has not been reported in the literature in individuals affected with LZTS1-related conditions. ClinVar contains an entry for this variant (Variation ID: 1908661). Invitae Evidence Modeling of protein sequence and biophysical properties (such as structural, functional, and spatial information, amino acid conservation, physicochemical variation, residue mobility, and thermodynamic stability) indicates that this missense variant is not expected to disrupt LZTS1 protein function with a negative predictive value of 80%. In summary, the available evidence is currently insufficient to determine the role of this variant in disease. Therefore, it has been classified as a Variant of Uncertain Significance.